The following is an entry in ClinVar:

NM_000238.4(KCNH2):c.125T>C (p.Ile42Thr)

Gene: KCNH2 (potassium voltage-gated channel subfamily H member 2; minus strand). Cytogenetic location: 7q36.1.
Variant type: single nucleotide variant.
Coding change: c.125T>C on transcript NM_000238.4 (MANE Select); coding-DNA position 125, T replaced by C.
Protein change: p.Ile42Thr; replaces isoleucine 42 with threonine.
Molecular consequence: missense variant.
Genome position (GRCh38, 1-based): chr7:150,974,893, A>G on the plus strand (T>C on the coding strand, the complement: KCNH2 is on the minus strand). VCF-style: chr7-150974893-A-G. GRCh37 (hg19) VCF-style: chr7-150671981-A-G.
Other names: p.I42T:ATC>ACC; c.-53T>C (NM_001406755.1); c.125T>C, p.Ile42Thr (NM_172056.3); short protein forms I42T.
Identifiers: ClinVar variation 200546 (VCV000200546.7), dbSNP rs199473488, ClinGen allele CA004336.

ClinVar aggregate classification (germline): Conflicting classifications of pathogenicity. Review status: criteria provided, conflicting classifications (1 of 4 stars). 2 submissions from 2 submitters: Pathogenic (1); Uncertain significance (1). Last evaluated 2023-02-20.

Conditions:
Long QT syndrome (LQTS). Identifiers: MedGen C0023976, MeSH D008133, MONDO:0002442. Disease mechanism: loss of function. Inheritance: Various modes of inheritance.

Submissions (2):

Labcorp Genetics (formerly Invitae), Labcorp
Classification: Uncertain significance for Long QT syndrome. Last evaluated: 2023-02-20. Review status: criteria provided, single submitter. Criteria: Invitae Variant Classification Sherloc (09022015). Collection method: clinical testing. Allele origin: germline.
Comment: In summary, the available evidence is currently insufficient to determine the role of this variant in disease. Therefore, it has been classified as a Variant of Uncertain Significance. This variant disrupts the p.Ile42 amino acid residue in KCNH2. Other variant(s) that disrupt this residue have been observed in individuals with KCNH2-related conditions (PMID: 17905336, 25417810, 31557540, 32475984), which suggests that this may be a clinically significant amino acid residue. An algorithm developed to predict the effect of missense changes on protein structure and function (PolyPhen-2) suggests that this variant is likely to be disruptive. ClinVar contains an entry for this variant (Variation ID: 200546). This missense change has been observed in individual(s) with Long QT Syndrome (Invitae). This variant is not present in population databases (gnomAD no frequency). This sequence change replaces isoleucine, which is neutral and non-polar, with threonine, which is neutral and polar, at codon 42 of the KCNH2 protein (p.Ile42Thr).

GeneDx
Classification: Pathogenic. Last evaluated: 2013-03-15. Review status: criteria provided, single submitter. Criteria: GeneDx Variant Classification (06012015). Collection method: clinical testing. Allele origin: germline. Affected: yes.
Comment: p.Ile42Thr (ATC>ACC): c.125 T>C in exon 2 of the KCNH2 (aka HERG) gene (NM_000238.2)While the Ile42Thr mutation in the KCNH2 gene has not been reported to our knowledge, a mutation affecting this same codon, Ile42Asn, has been reported in association with LQTS (Chung S et al., 2007). Additionally, mutations in nearby residues (Val41Ala, Val41Phe, Tyr43Asp, Tyr43Cys, Cys44Phe, Cys44Trp) have been reported in association with LQTS, further supporting the functional importance of this codon and this region of the protein. Ile42Thr results in a non-conservative amino acid substitution of a non-polar Isoleucine with a polar Threonine at a position that is conserved across species. In silico analysis predicts Ile42Thr is damaging to the protein structure/function. Furthermore, the Ile42Thr variant was not observed in approximately 6,500 individuals of European and African American ancestry in the NHLBI Exome Sequencing Project, indicating it is not a common benign variant in these populations.In summary, Ile42Thr in the KCNH2 gene is interpreted as a likely disease-causing mutation. The variant is found in LQT panel(s).

Literature cited by the submitters: PubMed 17905336 (cited by Labcorp Genetics (formerly Invitae), Labcorp); PubMed 25417810 (cited by Labcorp Genetics (formerly Invitae), Labcorp); PubMed 31557540 (cited by Labcorp Genetics (formerly Invitae), Labcorp); PubMed 32475984 (cited by Labcorp Genetics (formerly Invitae), Labcorp).